The following is an entry in ClinVar:

ClinVar aggregate classification (germline): Uncertain significance (1 of 4 stars; one submission).

Conditions:
Kabuki syndrome. Also called: NIIKAWA-KUROKI SYNDROME; Kabuki make-up syndrome. Identifiers: Orphanet 2322, MedGen C0796004, MONDO:0016512.

Allele frequency attached by ClinVar (database versions not stated): gnomAD exomes below 0.00001.
gnomAD v4.1: 1 of 1,612,154 alleles (0.000062%); highest among the groups gnomAD compares: Non-Finnish European, 0.000085%; no homozygotes.

Submission:

Labcorp Genetics (formerly Invitae), Labcorp
Classification: Uncertain significance for Kabuki syndrome. Last evaluated: 2022-10-04. Review status: criteria provided, single submitter. Criteria: Invitae Variant Classification Sherloc (09022015). Collection method: clinical testing. Allele origin: germline.
Comment: Advanced modeling of protein sequence and biophysical properties (such as structural, functional, and spatial information, amino acid conservation, physicochemical variation, residue mobility, and thermodynamic stability) performed at Invitae indicates that this missense variant is not expected to disrupt KMT2D protein function. This variant has not been reported in the literature in individuals affected with KMT2D-related conditions. This variant is not present in population databases (gnomAD no frequency). This sequence change replaces serine, which is neutral and polar, with proline, which is neutral and non-polar, at codon 2039 of the KMT2D protein (p.Ser2039Pro). In summary, the available evidence is currently insufficient to determine the role of this variant in disease. Therefore, it has been classified as a Variant of Uncertain Significance.

NM_003482.4(KMT2D):c.6115T>C (p.Ser2039Pro)

Gene: KMT2D (lysine methyltransferase 2D; minus strand). Cytogenetic location: 12q13.12.
Variant type: single nucleotide variant.
Coding change: c.6115T>C on transcript NM_003482.4 (MANE Select); coding-DNA position 6115, T replaced by C.
Protein change: p.Ser2039Pro; replaces serine 2039 with proline.
Molecular consequence: missense variant.
Genome position (GRCh38, 1-based): chr12:49,041,985, A>G on the plus strand (T>C on the coding strand, the complement: KMT2D is on the minus strand). VCF-style: chr12-49041985-A-G. GRCh37 (hg19) VCF-style: chr12-49435768-A-G.
Other names: short protein forms S2039P.
Identifiers: ClinVar variation 1720973 (VCV001720973.5), dbSNP rs1256251134, ClinGen allele CA384626448.